The following is an entry in ClinVar:

NM_020381.4(PDSS2):c.50C>T (p.Ser17Leu)

Gene: PDSS2 (decaprenyl diphosphate synthase subunit 2; minus strand). Cytogenetic location: 6q21.
Variant type: single nucleotide variant.
Coding change: c.50C>T on transcript NM_020381.4 (MANE Select); coding-DNA position 50, C replaced by T.
Protein change: p.Ser17Leu; replaces serine 17 with leucine.
Molecular consequence: missense variant.
Genome position (GRCh38, 1-based): chr6:107,459,236, G>A on the plus strand (C>T on the coding strand, the complement: PDSS2 is on the minus strand). VCF-style: chr6-107459236-G-A. GRCh37 (hg19) VCF-style: chr6-107780440-G-A.
Other names: p.Ser17Leu; c.50C>T (NM_020381.3); short protein forms S17L.
Identifiers: ClinVar variation 1487136 (VCV001487136.38), dbSNP rs373021095, ClinGen allele CA3946205.
Genomic context (GRCh38, chr6:107,459,236, plus strand): 5'-GAGCCCACCGAGGAGATGGTGTCGAGGGACGGGGACCACCACAGGCGACGCGGGGAACCC[G>A]AGGCTCCAAGATAACGTGGCAAGTGCAACAGCAGCTGCCGAAAGTTCATGGTTTGAGTCT-3'
Protein context (NP_065114.3, residues 7-27): LLHLPRYLGA[Ser17Leu]GSPRRLWWSP

ClinVar aggregate classification (germline): Conflicting classifications of pathogenicity. Review status: criteria provided, conflicting classifications (1 of 4 stars). 7 submissions from 7 submitters: Uncertain significance (6); Likely benign (1). Last evaluated 2024-09-06.

Conditions:
Inborn genetic diseases. Identifiers: MedGen C0950123, MeSH D030342.
Coenzyme Q10 deficiency, primary, 3 (COQ10D3). Identifiers: Orphanet 255249, MedGen C3553358, MONDO:0013838, OMIM 614652.

Allele frequency attached by ClinVar (database versions not stated): TOPMed 0.00004; gnomAD exomes 0.00005 and 0.00009; ExAC 0.00007; ESP Exome Variant Server 0.00008.
gnomAD v4.1: 123 of 1,614,166 alleles (0.0076%); highest among the groups gnomAD compares: Admixed American, 0.025%; no homozygotes.

Submissions (7):

Mayo Clinic Laboratories, Mayo Clinic
Classification: Uncertain significance. Last evaluated: 2024-09-06. Review status: criteria provided, single submitter. Criteria: ACMG Guidelines, 2015. Collection method: clinical testing. Allele origin: germline. Observed: 1 variant allele.
Comment: BP4

GeneDx
Classification: Uncertain significance. Last evaluated: 2024-06-10. Review status: criteria provided, single submitter. Criteria: GeneDx Variant Classification Process June 2021. Collection method: clinical testing. Allele origin: germline. Affected: yes.
Comment: In silico analysis indicates that this missense variant does not alter protein structure/function; Has not been previously published as pathogenic or benign to our knowledge

CeGaT Center for Human Genetics Tuebingen
Classification: Uncertain significance. Last evaluated: 2024-03-01. Review status: criteria provided, single submitter. Criteria: CeGaT Center For Human Genetics Tuebingen Variant Classification Criteria Version 2. Collection method: clinical testing. Allele origin: germline. Affected: yes. Observed: 1 variant allele.
Comment: PDSS2: PM2, BP4

Labcorp Genetics (formerly Invitae), Labcorp
Classification: Uncertain significance. Last evaluated: 2022-08-23. Review status: criteria provided, single submitter. Criteria: Invitae Variant Classification Sherloc (09022015). Collection method: clinical testing. Allele origin: germline.
Comment: This sequence change replaces serine, which is neutral and polar, with leucine, which is neutral and non-polar, at codon 17 of the PDSS2 protein (p.Ser17Leu). This variant is present in population databases (rs373021095, gnomAD 0.04%). This variant has not been reported in the literature in individuals affected with PDSS2-related conditions. ClinVar contains an entry for this variant (Variation ID: 1487136). Algorithms developed to predict the effect of missense changes on protein structure and function output the following: SIFT: "Tolerated"; PolyPhen-2: "Benign"; Align-GVGD: "Class C0". The leucine amino acid residue is found in multiple mammalian species, which suggests that this missense change does not adversely affect protein function. In summary, the available evidence is currently insufficient to determine the role of this variant in disease. Therefore, it has been classified as a Variant of Uncertain Significance.

Blueprint Genetics
Classification: Likely benign. Last evaluated: 2022-08-17. Review status: criteria provided, single submitter. Criteria: ACMG Guidelines, 2015. Collection method: clinical testing. Allele origin: germline.

Ambry Genetics
Classification: Uncertain significance for Inborn genetic diseases. Last evaluated: 2022-04-22. Review status: criteria provided, single submitter. Criteria: Ambry Variant Classification Scheme 2023. Collection method: clinical testing. Allele origin: germline.

Fulgent Genetics
Classification: Uncertain significance for Coenzyme Q10 deficiency, primary, 3. Last evaluated: 2022-03-03. Review status: criteria provided, single submitter. Criteria: ACMG Guidelines, 2015. Collection method: clinical testing. Allele origin: unknown.